The following is an entry in ClinVar:

ClinVar aggregate classification (germline): Uncertain significance (1 of 4 stars; one submission).

Conditions:
Myopathy, centronuclear, 2 (CNM2). Also called: MYOTUBULAR MYOPATHY, AUTOSOMAL RECESSIVE. Identifiers: Orphanet 169186, MedGen CN031787, MONDO:0009709, OMIM 255200.

gnomAD v4.1: 4 of 1,544,282 alleles (0.00026%); highest among the groups gnomAD compares: Non-Finnish European, 0.00026%; no homozygotes.

Submission:

Labcorp Genetics (formerly Invitae), Labcorp
Classification: Uncertain significance for Myopathy, centronuclear, 2. Last evaluated: 2024-08-09. Review status: criteria provided, single submitter. Criteria: Invitae Variant Classification Sherloc (09022015). Collection method: clinical testing. Allele origin: germline.
Comment: This sequence change replaces lysine, which is basic and polar, with threonine, which is neutral and polar, at codon 351 of the BIN1 protein (p.Lys351Thr). This variant is not present in population databases (gnomAD no frequency). This variant has not been reported in the literature in individuals affected with BIN1-related conditions. An algorithm developed to predict the effect of missense changes on protein structure and function outputs the following: PolyPhen-2: "Benign". The threonine amino acid residue is found in multiple mammalian species, which suggests that this missense change does not adversely affect protein function. In summary, the available evidence is currently insufficient to determine the role of this variant in disease. Therefore, it has been classified as a Variant of Uncertain Significance.

NM_139343.3(BIN1):c.1052A>C (p.Lys351Thr)

Gene: BIN1 (bridging integrator 1; minus strand). Cytogenetic location: 2q14.3.
Variant type: single nucleotide variant.
Coding change: c.1052A>C on transcript NM_139343.3 (MANE Select); coding-DNA position 1052, A replaced by C.
Protein change: p.Lys351Thr; replaces lysine 351 with threonine.
Molecular consequence: missense variant. On other transcripts: intron variant (9).
Genome position (GRCh38, 1-based): chr2:127,057,552, T>G on the plus strand (A>C on the coding strand, the complement: BIN1 is on the minus strand). VCF-style: chr2-127057552-T-G. GRCh37 (hg19) VCF-style: chr2-127815128-T-G.
Other names: c.1052A>C, p.Lys351Thr (NM_001320640.2); c.959A>C, p.Lys320Thr (NM_001320641.2, NM_139347.3, NM_139348.3); c.971A>C, p.Lys324Thr (NM_001320642.1); c.1004A>C, p.Lys335Thr (NM_139346.3); c.837+1459A>C (NM_001320634.1); c.909+1459A>C (NM_139351.3, NM_139350.3, NM_139349.3); c.954+1459A>C (NM_001320632.2, NM_004305.4); c.1002+1459A>C (NM_001320633.2, NM_139345.3, NM_139344.3); short protein forms K320T, K324T, K351T, K335T.
Identifiers: ClinVar variation 2851866 (VCV002851866.3), dbSNP rs2467251919, ClinGen allele CA348378695.